The following is an entry in ClinVar:

ClinVar aggregate classification (germline): Uncertain significance (1 of 4 stars; one submission).

Submission:

Labcorp Genetics (formerly Invitae), Labcorp
Classification: Uncertain significance. Last evaluated: 2021-09-10. Review status: criteria provided, single submitter. Criteria: Invitae Variant Classification Sherloc (09022015). Collection method: clinical testing. Allele origin: germline.
Comment: In summary, the available evidence is currently insufficient to determine the role of this variant in disease. Therefore, it has been classified as a Variant of Uncertain Significance. Experimental studies and prediction algorithms are not available or were not evaluated, and the functional significance of this variant is currently unknown. This variant has not been reported in the literature in individuals affected with SLC46A1-related conditions. This variant is not present in population databases (ExAC no frequency). This sequence change replaces alanine with aspartic acid at codon 437 of the SLC46A1 protein (p.Ala437Asp). The alanine residue is highly conserved and there is a moderate physicochemical difference between alanine and aspartic acid.

NM_080669.6(SLC46A1):c.1310C>A (p.Ala437Asp)

Genes: SARM1 (sterile alpha and TIR motif containing 1; plus strand), SLC46A1 (solute carrier family 46 member 1; minus strand). Cytogenetic location: 17q11.2.
Variant type: single nucleotide variant.
Coding change: c.1310C>A on transcript NM_080669.6 (MANE Select); coding-DNA position 1310, C replaced by A.
Protein change: p.Ala437Asp; replaces alanine 437 with aspartic acid.
Molecular consequence: missense variant. On other transcripts: 3 prime UTR variant (1).
Genome position (GRCh38, 1-based): chr17:28,400,622, G>T on the plus strand (C>A on the coding strand, the complement: SLC46A1 is on the minus strand). VCF-style: chr17-28400622-G-T. GRCh37 (hg19) VCF-style: chr17-26727638-G-T.
Other names: c.1226C>A, p.Ala409Asp (NM_001242366.3); c.*4336G>T (NM_015077.4); short protein forms A437D, A409D.
Identifiers: ClinVar variation 1366701 (VCV001366701.6), dbSNP rs1555589318, ClinGen allele CA398342197.